The following is an entry in ClinVar:

NM_003824.4(FADD):c.541C>G (p.Gln181Glu)

Gene: FADD (Fas associated via death domain; plus strand). Cytogenetic location: 11q13.3.
Variant type: single nucleotide variant.
Coding change: c.541C>G on transcript NM_003824.4 (MANE Select); coding-DNA position 541, C replaced by G.
Protein change: p.Gln181Glu; replaces glutamine 181 with glutamic acid.
Molecular consequence: missense variant.
Genome position (GRCh38, 1-based): chr11:70,206,387, C>G. VCF-style: chr11-70206387-C-G. GRCh37 (hg19) VCF-style: chr11-70052493-C-G.
Other names: short protein forms Q181E.
Identifiers: ClinVar variation 2058267 (VCV002058267.2), dbSNP rs1433660943, ClinGen allele CA381666440.

ClinVar aggregate classification (germline): Uncertain significance (1 of 4 stars; one submission).

Conditions:
FADD-related immunodeficiency. Also called: FADD DEFICIENCY; Infections, recurrent, with encephalopathy, hepatic dysfunction, and cardiovascular malformations. Identifiers: Orphanet 306550, MedGen C3151062, MONDO:0013408, OMIM 613759.

Allele frequency attached by ClinVar (database versions not stated): gnomAD 0.00001; TOPMed 0.00001.

Submission:

Labcorp Genetics (formerly Invitae), Labcorp
Classification: Uncertain significance for FADD-related immunodeficiency. Last evaluated: 2022-08-05. Review status: criteria provided, single submitter. Criteria: Invitae Variant Classification Sherloc (09022015). Collection method: clinical testing. Allele origin: germline.
Comment: This variant is present in population databases (no rsID available, gnomAD 0.01%). In summary, the available evidence is currently insufficient to determine the role of this variant in disease. Therefore, it has been classified as a Variant of Uncertain Significance. Algorithms developed to predict the effect of missense changes on protein structure and function output the following: SIFT: "Tolerated"; PolyPhen-2: "Probably Damaging"; Align-GVGD: "Class C0". The glutamic acid amino acid residue is found in multiple mammalian species, which suggests that this missense change does not adversely affect protein function. This variant has not been reported in the literature in individuals affected with FADD-related conditions. This sequence change replaces glutamine, which is neutral and polar, with glutamic acid, which is acidic and polar, at codon 181 of the FADD protein (p.Gln181Glu).